The following is an entry in ClinVar:

ClinVar aggregate classification (germline): Uncertain significance (1 of 4 stars; one submission).

Allele frequency attached by ClinVar (database versions not stated): gnomAD exomes below 0.00001.

Submission:

Labcorp Genetics (formerly Invitae), Labcorp
Classification: Uncertain significance. Last evaluated: 2020-05-04. Review status: criteria provided, single submitter. Criteria: Invitae Variant Classification Sherloc (09022015). Collection method: clinical testing. Allele origin: germline.
Comment: This sequence change replaces leucine with phenylalanine at codon 854 of the CRB2 protein (p.Leu854Phe). The leucine residue is highly conserved and there is a small physicochemical difference between leucine and phenylalanine. This variant is not present in population databases (ExAC no frequency). This variant has not been reported in the literature in individuals with CRB2-related conditions. Algorithms developed to predict the effect of missense changes on protein structure and function are either unavailable or do not agree on the potential impact of this missense change (SIFT: "Tolerated"; PolyPhen-2: "Possibly Damaging"; Align-GVGD: "Class C0"). In summary, the available evidence is currently insufficient to determine the role of this variant in disease. Therefore, it has been classified as a Variant of Uncertain Significance.

NM_173689.7(CRB2):c.2560C>T (p.Leu854Phe)

Gene: CRB2 (crumbs cell polarity complex component 2; plus strand). Cytogenetic location: 9q33.3.
Variant type: single nucleotide variant.
Coding change: c.2560C>T on transcript NM_173689.7 (MANE Select); coding-DNA position 2560, C replaced by T.
Protein change: p.Leu854Phe; replaces leucine 854 with phenylalanine.
Molecular consequence: missense variant. On other transcripts: non-coding transcript variant (1).
Genome position (GRCh38, 1-based): chr9:123,372,300, C>T. VCF-style: chr9-123372300-C-T. GRCh37 (hg19) VCF-style: chr9-126134579-C-T.
Other names: short protein forms L854F.
Identifiers: ClinVar variation 1007091 (VCV001007091.8), dbSNP rs1354275237, ClinGen allele CA374866897.